The following is an entry in ClinVar:

NM_003105.6(SORL1):c.4477G>A (p.Gly1493Ser)

Genes: SORL1 (sortilin related receptor 1; plus strand), LOC126861368 (P300/CBP strongly-dependent group 1 enhancer GRCh37_chr11:121465964-121467163; plus strand). Cytogenetic location: 11q24.1.
Variant type: single nucleotide variant.
Coding change: c.4477G>A on transcript NM_003105.6 (MANE Select); coding-DNA position 4477, G replaced by A.
Protein change: p.Gly1493Ser; replaces glycine 1493 with serine.
Molecular consequence: missense variant.
Genome position (GRCh38, 1-based): chr11:121,595,730, G>A. VCF-style: chr11-121595730-G-A. GRCh37 (hg19) VCF-style: chr11-121466439-G-A.
Other names: short protein forms G1493S.
Identifiers: ClinVar variation 2166289 (VCV002166289.4), dbSNP rs774690115, ClinGen allele CA6329637.
Genomic context (GRCh38, chr11:121,595,730, plus strand): 5'-CGATTTGAGTTCGAATGCCACCAACCGAAGACGTGTATTCCCAACTGGAAGCGCTGTGAC[G>A]GCCACCAAGATTGCCAGGATGGCCGGGACGAGGCCAATTGCCGTGAGTAGTCAGAGAGCC-3'
Protein context (NP_003096.2, residues 1483-1503): TCIPNWKRCD[Gly1493Ser]HQDCQDGRDE

ClinVar aggregate classification (germline): Uncertain significance (1 of 4 stars; one submission).

Allele frequency attached by ClinVar (database versions not stated): gnomAD 0.00003; ExAC 0.00007; TOPMed 0.00008.
gnomAD v4.1: 69 of 1,613,820 alleles (0.0043%); highest among the groups gnomAD compares: Admixed American, 0.013%; no homozygotes.

Submission:

Labcorp Genetics (formerly Invitae), Labcorp
Classification: Uncertain significance. Last evaluated: 2023-08-05. Review status: criteria provided, single submitter. Criteria: Invitae Variant Classification Sherloc (09022015). Collection method: clinical testing. Allele origin: germline.
Comment: This sequence change replaces glycine, which is neutral and non-polar, with serine, which is neutral and polar, at codon 1493 of the SORL1 protein (p.Gly1493Ser). This variant is present in population databases (rs774690115, gnomAD 0.02%). This variant has not been reported in the literature in individuals affected with SORL1-related conditions. ClinVar contains an entry for this variant (Variation ID: 2166289). An algorithm developed to predict the effect of missense changes on protein structure and function (PolyPhen-2) suggests that this variant is likely to be disruptive. In summary, the available evidence is currently insufficient to determine the role of this variant in disease. Therefore, it has been classified as a Variant of Uncertain Significance.